The following is an entry in ClinVar:

NM_004637.6(RAB7A):c.605C>G (p.Ala202Gly)

Genes: RAB7A (RAB7A, member RAS oncogene family; plus strand), LOC112872299 (Sharpr-MPRA regulatory region 6458; plus strand). Cytogenetic location: 3q21.3.
Variant type: single nucleotide variant.
Coding change: c.605C>G on transcript NM_004637.6 (MANE Select); coding-DNA position 605, C replaced by G.
Protein change: p.Ala202Gly; replaces alanine 202 with glycine.
Molecular consequence: missense variant.
Genome position (GRCh38, 1-based): chr3:128,813,403, C>G. VCF-style: chr3-128813403-C-G. GRCh37 (hg19) VCF-style: chr3-128532246-C-G.
Other names: short protein forms A202G.
Identifiers: ClinVar variation 1381919 (VCV001381919.8), dbSNP rs2107618449, ClinGen allele CA354423721.

ClinVar aggregate classification (germline): Uncertain significance (1 of 4 stars; one submission).

Conditions:
Charcot-Marie-Tooth disease type 2B (CMT2B). Also called: CHARCOT-MARIE-TOOTH DISEASE, AUTOSOMAL DOMINANT, TYPE 2B; Charcot-Marie-Tooth Neuropathy Type 2B; HEREDITARY MOTOR AND SENSORY NEUROPATHY IIB; CHARCOT-MARIE-TOOTH DISEASE, AXONAL, TYPE 2B. Identifiers: Orphanet 99936, MedGen C1833219, MONDO:0010949, OMIM 600882.

Allele frequency attached by ClinVar (database versions not stated): gnomAD exomes below 0.00001.
gnomAD v4.1: 1 of 1,614,214 alleles (0.000062%); highest among the groups gnomAD compares: Non-Finnish European, 0.000085%; no homozygotes.

Submission:

Labcorp Genetics (formerly Invitae), Labcorp
Classification: Uncertain significance for Charcot-Marie-Tooth disease type 2B. Last evaluated: 2025-05-05. Review status: criteria provided, single submitter. Criteria: Invitae Variant Classification Sherloc (09022015). Collection method: clinical testing. Allele origin: germline.
Comment: This sequence change replaces alanine, which is neutral and non-polar, with glycine, which is neutral and non-polar, at codon 202 of the RAB7A protein (p.Ala202Gly). This variant is not present in population databases (gnomAD no frequency). This variant has not been reported in the literature in individuals affected with RAB7A-related conditions. ClinVar contains an entry for this variant (Variation ID: 1381919). An algorithm developed to predict the effect of missense changes on protein structure and function outputs the following: PolyPhen-2: "Benign". The glycine amino acid residue is found in multiple mammalian species, which suggests that this missense change does not adversely affect protein function. In summary, the available evidence is currently insufficient to determine the role of this variant in disease. Therefore, it has been classified as a Variant of Uncertain Significance.